The following is an entry in ClinVar:

NM_004752.4(GCM2):c.1098C>A (p.Cys366Ter)

Gene: GCM2 (glial cells missing transcription factor 2; minus strand). Cytogenetic location: 6p24.2.
Variant type: single nucleotide variant.
Coding change: c.1098C>A on transcript NM_004752.4 (MANE Select); coding-DNA position 1098, C replaced by A.
Protein change: p.Cys366Ter; replaces cysteine 366 with a stop codon.
Molecular consequence: nonsense.
Genome position (GRCh38, 1-based): chr6:10,874,418, G>T on the plus strand (C>A on the coding strand, the complement: GCM2 is on the minus strand). VCF-style: chr6-10874418-G-T. GRCh37 (hg19) VCF-style: chr6-10874651-G-T.
Other names: p.Cys366*; short protein forms C366*.
Identifiers: ClinVar variation 3391440 (VCV003391440.2).
Genomic context (GRCh38, chr6:10,874,418, plus strand): 5'-GGTGGTGGTGATCACGGTTTGTAGGGCAGGGGCACCTGGTGGTGGAGTCGTGAGGTACCT[G>T]CAGGGAAGCTCTGGGTTATAATAAGGGCGAGTGGCCATGGCCTGAAACTGCCCATGGTTA-3'

ClinVar aggregate classification (germline): Likely pathogenic (1 of 4 stars; one submission).

Conditions:
Hypoparathyroidism, familial isolated, 2. Identifiers: MedGen C5394383, MONDO:0020798, OMIM 618883.

gnomAD v4.1: 2 of 1,614,218 alleles (0.00012%); highest among the groups gnomAD compares: Non-Finnish European, 0.00017%; no homozygotes.

Submission:

Foundation for Research in Genetics and Endocrinology, FRIGE's Institute of Human Genetics
Classification: Likely pathogenic for Hypoparathyroidism, familial isolated, 2. Last evaluated: 2024-11-20. Review status: criteria provided, single submitter. Criteria: ACMG Guidelines, 2015. Collection method: clinical testing. Allele origin: germline. Inheritance: Autosomal dominant inheritance. Affected: yes. Observed: 1 heterozygote.
Comment: A heterozygous missense variant in exon 5 of the GCM2 gene that results in a stop codon and premature truncation of the protein at 366 was observed. The observed variant c.1098C>A (p.Cys366*) has not been reported in the 1000 genomes and has a MAF of 0.0001% in the gnomAD databases. The in silico prediction of the variant are damaging by MutationTaster2 and DANN. In summary, the variant meets our criteria to be classified as likely pathogenic.